The following is an entry in ClinVar:

ClinVar aggregate classification (germline): Uncertain significance (1 of 4 stars; one submission).

Allele frequency attached by ClinVar (database versions not stated): gnomAD 0.00001; TOPMed 0.00001; ExAC 0.00008.

Submission:

Labcorp Genetics (formerly Invitae), Labcorp
Classification: Uncertain significance. Last evaluated: 2022-07-24. Review status: criteria provided, single submitter. Criteria: Invitae Variant Classification Sherloc (09022015). Collection method: clinical testing. Allele origin: germline.
Comment: In summary, the available evidence is currently insufficient to determine the role of this variant in disease. Therefore, it has been classified as a Variant of Uncertain Significance. Algorithms developed to predict the effect of missense changes on protein structure and function are either unavailable or do not agree on the potential impact of this missense change (SIFT: "Deleterious"; PolyPhen-2: "Probably Damaging"; Align-GVGD: "Class C15"). This variant has not been reported in the literature in individuals affected with MCM3AP-related conditions. This variant is present in population databases (rs778596506, gnomAD 0.06%). This sequence change replaces leucine, which is neutral and non-polar, with phenylalanine, which is neutral and non-polar, at codon 847 of the MCM3AP protein (p.Leu847Phe).

NM_003906.5(MCM3AP):c.2541G>T (p.Leu847Phe)

Gene: MCM3AP (minichromosome maintenance complex component 3 associated protein; minus strand). Cytogenetic location: 21q22.3.
Variant type: single nucleotide variant.
Coding change: c.2541G>T on transcript NM_003906.5 (MANE Select); coding-DNA position 2541, G replaced by T.
Protein change: p.Leu847Phe; replaces leucine 847 with phenylalanine.
Molecular consequence: missense variant.
Genome position (GRCh38, 1-based): chr21:46,270,488, C>A on the plus strand (G>T on the coding strand, the complement: MCM3AP is on the minus strand). VCF-style: chr21-46270488-C-A. GRCh37 (hg19) VCF-style: chr21-47690402-C-A.
Other names: short protein forms L847F.
Identifiers: ClinVar variation 1943052 (VCV001943052.3), dbSNP rs778596506, ClinGen allele CA10076802.